The following is an entry in ClinVar:

NM_001009944.3(PKD1):c.3535_3537del (p.His1179del)

Gene: PKD1 (polycystin 1, transient receptor potential channel interacting; minus strand). Cytogenetic location: 16p13.3.
Variant type: Deletion.
Coding change: c.3535_3537del on transcript NM_001009944.3 (MANE Select); coding-DNA positions 3535 to 3537, 3 bases deleted (CAC; older notation c.3535_3537delCAC).
Protein change: p.His1179del; deletes histidine 1179.
Molecular consequence: inframe deletion. On other transcripts: inframe indel (1).
Genome position (GRCh38, 1-based): chr16:2,111,630-2,111,632, GTG deleted on the plus strand (CAC on the coding strand, the reverse complement: PKD1 is on the minus strand); deleting any 3 consecutive bases within chr16:2,111,630-2,111,634 gives the same sequence; the c. name uses the placement nearest the transcript's 3' end. VCF-style (leftmost placement, unchanged base first): chr16-2111629-TGTG-T. GRCh37 (hg19) VCF-style: chr16-2161630-TGTG-T.
Other names: c.3535_3537del, p.His1179del (NM_000296.4); c.3535_3537delCAC (NM_001009944.2); short protein forms H1179del.
Identifiers: ClinVar variation 4984873 (VCV004984873.1).

ClinVar aggregate classification (germline): Uncertain significance (1 of 4 stars; one submission).

Conditions:
PKD1-related disorder. Also called: PKD1-related condition.

Submission:

PreventionGenetics, part of Exact Sciences
Classification: Uncertain significance for PKD1-related condition. Last evaluated: 2025-11-04. Review status: criteria provided, single submitter. Criteria: ACMG Guidelines, 2015. Collection method: clinical testing. Allele origin: germline.
Comment: The PKD1 c.3535_3537delCAC variant is predicted to result in an in-frame deletion (p.His1179del). To our knowledge, this variant has not been reported in the literature or in a large population database (gnomAD), indicating this variant is rare. Of note, this variant was previously found in two presumably unrelated patients tested for polycystic kidney disease (PKD) at PreventionGenetics (internal data). Small in-frame deletions in PKD1 were commonly reported to be pathogenic for autosomal dominant polycystic kidney disease (ADPKD). Although we suspect that this variant may be pathogenic, at this time, the clinical significance of this variant is uncertain due to the absence of conclusive functional and genetic evidence.